The following is an entry in ClinVar:

ClinVar aggregate classification (germline): Benign (0 of 4 stars; one submission).

Conditions:
PPP2R2B-related disorder. Also called: PPP2R2B-related condition.

Submission:

PreventionGenetics, part of Exact Sciences
Classification: Benign for PPP2R2B-related condition. Last evaluated: 2020-02-25. Review status: no assertion criteria provided. Collection method: clinical testing. Allele origin: germline.
Comment: This variant is classified as benign based on ACMG/AMP sequence variant interpretation guidelines (Richards et al. 2015 PMID: 25741868, with internal and published modifications).

NM_181675.3(PPP2R2B):c.34_57dup24

Genes: PPP2R2B (protein phosphatase 2 regulatory subunit Bbeta; minus strand), LOC108660405 (protein phosphatase 2 regulatory subunit Bbeta repeat instability region; plus strand). Cytogenetic location: 5q32.
Variant type: Microsatellite.
Coding change: c.34_57dup24 on transcript NM_181675.3; coding-DNA positions 34 to 57, 24 bases duplicated (AGCAGCAGCAGCAGCAGCAGCAGC).
Molecular consequence: intron variant (on NM_001271900.2).
Genome position (GRCh38, 1-based): chr5:146,878,728-146,878,751, GCTGCTGCTGCTGCTGCTGCTGCT duplicated on the plus strand (AGCAGCAGCAGCAGCAGCAGCAGC on the coding strand, the reverse complement: PPP2R2B is on the minus strand); duplicating any 24 consecutive bases within chr5:146,878,728-146,878,759 gives the same sequence; the c. name uses the placement nearest the transcript's 3' end. VCF-style (leftmost placement, unchanged base first): chr5-146878727-A-AGCTGCTGCTGCTGCTGCTGCTGCT. GRCh37 (hg19) VCF-style: chr5-146258290-A-AGCTGCTGCTGCTGCTGCTGCTGCT.
Other names: c.51-562AGC[18] (NM_001271900.2); c.79+176908AGC[18] (NM_181676.3); c.75-562AGC[18] (NM_181674.3); c.89-177615AGC[18] (NM_001271899.1); c.-48-22174AGC[18] (NM_181678.2); c.10+156412AGC[18] (NM_181677.2).
Identifiers: ClinVar variation 3037533 (VCV003037533.2), dbSNP rs10591869, ClinGen allele CA447007012.